The following is an entry in ClinVar:

ClinVar aggregate classification (germline): Uncertain significance (1 of 4 stars; one submission).

Conditions:
Mullegama-Klein-Martinez syndrome. Also called: NEURODEVELOPMENTAL DISORDER, X-LINKED, WITH CRANIOFACIAL ABNORMALITIES. Identifiers: MedGen C5193008, MONDO:0026722, OMIM 301022.

Submission:

Institute of Human Genetics, University of Leipzig Medical Center
Classification: Uncertain significance for Mullegama-Klein-Martinez syndrome. Last evaluated: 2020-11-12. Review status: criteria provided, single submitter. Criteria: ACMG Guidelines, 2015. Collection method: clinical testing. Allele origin: de novo. Affected: yes.
Comment: This variant was identified as de novo (maternity and paternity confirmed).

NM_001042750.2(STAG2):c.761A>C (p.Lys254Thr)

Gene: STAG2 (STAG2 cohesin complex component; plus strand). Cytogenetic location: Xq25.
Variant type: single nucleotide variant.
Coding change: c.761A>C on transcript NM_001042750.2 (MANE Select); coding-DNA position 761, A replaced by C.
Protein change: p.Lys254Thr; replaces lysine 254 with threonine.
Molecular consequence: missense variant.
Genome position (GRCh38, 1-based): chrX:124,047,447, A>C. VCF-style: chrX-124047447-A-C. GRCh37 (hg19) VCF-style: chrX-123181297-A-C.
Other names: c.761A>C, p.Lys254Thr (NM_001042749.2, NM_001042751.2, NM_001282418.2 and 13 more transcripts); short protein forms K254T.
Identifiers: ClinVar variation 1285452 (VCV001285452.1), dbSNP rs2148195472, ClinGen allele CA414275489.